The following is an entry in ClinVar:

NM_130837.3(OPA1):c.2348A>G (p.Asn783Ser)

Gene: OPA1 (OPA1 mitochondrial dynamin like GTPase; plus strand). Cytogenetic location: 3q29.
Variant type: single nucleotide variant.
Coding change: c.2348A>G on transcript NM_130837.3 (MANE Select); coding-DNA position 2348, A replaced by G.
Protein change: p.Asn783Ser; replaces asparagine 783 with serine.
Molecular consequence: missense variant.
Genome position (GRCh38, 1-based): chr3:193,658,903, A>G. VCF-style: chr3-193658903-A-G. GRCh37 (hg19) VCF-style: chr3-193376692-A-G.
Other names: c.2186A>G, p.Asn729Ser (NM_130833.3); c.2237A>G, p.Asn746Ser (NM_130834.3); c.2240A>G, p.Asn747Ser (NM_130835.3); c.2294A>G, p.Asn765Ser (NM_130836.3); c.1814A>G, p.Asn605Ser (NM_001354663.2); c.1811A>G, p.Asn604Ser (NM_001354664.2); c.2183A>G, p.Asn728Ser (NM_015560.3); c.2075A>G, p.Asn692Ser (NM_130831.3); and 1 more; short protein forms N604S, N605S, N692S, N710S, N728S, N729S, N746S, N747S.
Identifiers: ClinVar variation 1319010 (VCV001319010.6), dbSNP rs749143995, ClinGen allele CA2759638.
Genomic context (GRCh38, chr3:193,658,903, plus strand): 5'-GAGATGTAAAACAAGTTGGCTTTTTCTCTTCTTGTTATTTTCAGAGGGTTATTCAACACA[A>G]TGCTTTGGAAGACCGATCCATATCTGATAAACAGCAATGGGATGCAGCTATTTATTTTAT-3'
Protein context (NP_570850.2, residues 773-793): AEDSLRVIQH[Asn783Ser]ALEDRSISDK

ClinVar aggregate classification (germline): Uncertain significance. Review status: criteria provided, multiple submitters, no conflicts (2 of 4 stars). 3 submissions from 3 submitters: Uncertain significance (3). Last evaluated 2025-08-05.

Conditions:
Inborn genetic diseases. Identifiers: MedGen C0950123, MeSH D030342.

Allele frequency attached by ClinVar (database versions not stated): gnomAD exomes below 0.00001; ExAC 0.00001; gnomAD 0.00001.
gnomAD v4.1: 6 of 1,613,394 alleles (0.00037%); highest among the groups gnomAD compares: Admixed American, 0.0017%; no homozygotes.

Submissions (3):

Labcorp Genetics (formerly Invitae), Labcorp
Classification: Uncertain significance. Last evaluated: 2025-08-05. Review status: criteria provided, single submitter. Criteria: Invitae Variant Classification Sherloc (09022015). Collection method: clinical testing. Allele origin: germline.
Comment: This sequence change replaces asparagine, which is neutral and polar, with serine, which is neutral and polar, at codon 728 of the OPA1 protein (p.Asn728Ser). This variant is present in population databases (rs749143995, gnomAD 0.003%). This variant has not been reported in the literature in individuals affected with OPA1-related conditions. ClinVar contains an entry for this variant (Variation ID: 1319010). Invitae Evidence Modeling of protein sequence and biophysical properties (such as structural, functional, and spatial information, amino acid conservation, physicochemical variation, residue mobility, and thermodynamic stability) indicates that this missense variant is not expected to disrupt OPA1 protein function with a negative predictive value of 80%. In summary, the available evidence is currently insufficient to determine the role of this variant in disease. Therefore, it has been classified as a Variant of Uncertain Significance.

Ambry Genetics
Classification: Uncertain significance for Inborn genetic diseases. Last evaluated: 2025-03-22. Review status: criteria provided, single submitter. Criteria: Ambry Variant Classification Scheme 2023. Collection method: clinical testing. Allele origin: germline.

GeneDx
Classification: Uncertain significance. Last evaluated: 2024-12-11. Review status: criteria provided, single submitter. Criteria: GeneDx Variant Classification Process June 2021. Collection method: clinical testing. Allele origin: germline. Affected: yes.
Comment: Not observed at significant frequency in large population cohorts (gnomAD); In silico analysis supports that this missense variant has a deleterious effect on protein structure/function; Has not been previously published as pathogenic or benign to our knowledge